The following is an entry in ClinVar:

ClinVar aggregate classification (germline): Uncertain significance (1 of 4 stars; one submission).

Conditions:
Bardet-Biedl syndrome (BBS). Identifiers: Orphanet 110, MedGen C0752166, MONDO:0015229.

Submission:

Lab De Baere, Eye and Developmental Genetics Lab, Ghent University
Classification: Uncertain significance for Bardet-Biedl syndrome. Last evaluated: 2024-10-01. Review status: criteria provided, single submitter. Criteria: ACMG Guidelines, 2015. Collection method: research. Allele origin: inherited. Affected: yes. Observed: 1 variant allele.
Comment: ACMG/AMP guidelines: PM2, PP3, PM3_PP

NM_033028.5(BBS4):c.642+4A>G

Gene: BBS4 (Bardet-Biedl syndrome 4; plus strand). Cytogenetic location: 15q24.1.
Variant type: single nucleotide variant.
Coding change: c.642+4A>G on transcript NM_033028.5 (MANE Select); 4 bases into the intron after coding-DNA position 642, A replaced by G.
Molecular consequence: intron variant.
Genome position (GRCh38, 1-based): chr15:72,727,998, A>G. VCF-style: chr15-72727998-A-G. GRCh37 (hg19) VCF-style: chr15-73020339-A-G.
Other names: c.642+4A>G (NM_001320665.2); c.126+4A>G (NM_001252678.2).
Identifiers: ClinVar variation 3544438 (VCV003544438.1).